The following is an entry in ClinVar:

ClinVar aggregate classification (germline): Likely benign. Review status: criteria provided, multiple submitters, no conflicts (2 of 4 stars). 3 submissions from 3 submitters: Likely benign (2). 1 of the submissions does not count toward it. Last evaluated 2025-08-17.

Conditions:
KMT2D-related disorder. Also called: KMT2D-Related Disorders.
Kabuki syndrome. Also called: NIIKAWA-KUROKI SYNDROME; Kabuki make-up syndrome. Identifiers: Orphanet 2322, MedGen C0796004, MONDO:0016512.

Allele frequency attached by ClinVar (database versions not stated): gnomAD exomes below 0.00001; TOPMed below 0.00001; gnomAD 0.00001.
gnomAD v4.1: 6 of 1,613,780 alleles (0.00037%); highest among the groups gnomAD compares: Admixed American, 0.0017%; no homozygotes.

Submissions (3):

Labcorp Genetics (formerly Invitae), Labcorp
Classification: Likely benign for Kabuki syndrome. Last evaluated: 2025-08-17. Review status: criteria provided, single submitter. Criteria: Invitae Variant Classification Sherloc (09022015). Collection method: clinical testing. Allele origin: germline.

Blueprint Genetics
Classification: Likely benign. Last evaluated: 2024-02-08. Review status: criteria provided, single submitter. Criteria: ACMG Guidelines, 2015. Collection method: clinical testing. Allele origin: germline.

PreventionGenetics, part of Exact Sciences
Classification: Likely benign for KMT2D-related condition. Last evaluated: 2021-01-05. Review status: no assertion criteria provided. Collection method: clinical testing. Allele origin: germline. Not counted in ClinVar's aggregate classification.
Comment: This variant is classified as likely benign based on ACMG/AMP sequence variant interpretation guidelines (Richards et al. 2015 PMID: 25741868, with internal and published modifications).

NM_003482.4(KMT2D):c.3702G>T (p.Gly1234=)

Genes: KMT2D (lysine methyltransferase 2D; minus strand), LOC126861520 (CDK7 strongly-dependent group 2 enhancer GRCh37_chr12:49442744-49443943; plus strand). Cytogenetic location: 12q13.12.
Variant type: single nucleotide variant.
Coding change: c.3702G>T on transcript NM_003482.4 (MANE Select); coding-DNA position 3702, G replaced by T.
Protein change: p.Gly1234=; no amino-acid change (glycine 1234 retained).
Molecular consequence: synonymous variant.
Genome position (GRCh38, 1-based): chr12:49,049,886, C>A on the plus strand (G>T on the coding strand, the complement: KMT2D is on the minus strand). VCF-style: chr12-49049886-C-A. GRCh37 (hg19) VCF-style: chr12-49443669-C-A.
Identifiers: ClinVar variation 3031289 (VCV003031289.4), dbSNP rs1187018461, ClinGen allele CA479713434.